The following is an entry in ClinVar:

NM_001270.4(CHD1):c.3290G>T (p.Gly1097Val)

Gene: CHD1 (chromodomain helicase DNA binding protein 1; minus strand). Cytogenetic location: 5q15.
Variant type: single nucleotide variant.
Coding change: c.3290G>T on transcript NM_001270.4 (MANE Select); coding-DNA position 3290, G replaced by T.
Protein change: p.Gly1097Val; replaces glycine 1097 with valine.
Molecular consequence: missense variant. On other transcripts: non-coding transcript variant (2).
Genome position (GRCh38, 1-based): chr5:98,876,506, C>A on the plus strand (G>T on the coding strand, the complement: CHD1 is on the minus strand). VCF-style: chr5-98876506-C-A. GRCh37 (hg19) VCF-style: chr5-98212210-C-A.
Other names: c.3290G>T, p.Gly1097Val (NM_001364113.3, NM_001376194.2); short protein forms G1097V.
Identifiers: ClinVar variation 4071818 (VCV004071818.1).

ClinVar aggregate classification (germline): Uncertain significance (1 of 4 stars; one submission).

gnomAD v4.1: 2 of 1,613,688 alleles (0.00012%); highest among the groups gnomAD compares: Non-Finnish European, 0.00017%; no homozygotes.

Submission:

GeneDx
Classification: Uncertain significance. Last evaluated: 2025-01-23. Review status: criteria provided, single submitter. Criteria: GeneDx Variant Classification Process June 2021. Collection method: clinical testing. Allele origin: germline. Affected: yes.
Comment: Not observed at significant frequency in large population cohorts (gnomAD); In silico analysis supports that this missense variant has a deleterious effect on protein structure/function; Has not been previously published as pathogenic or benign to our knowledge